The following is an entry in ClinVar:

ClinVar aggregate classification (germline): Uncertain significance (1 of 4 stars; one submission).

Conditions:
Familial focal epilepsy with variable foci (FPEVF). Identifiers: Orphanet 98820, MedGen C1858477, MONDO:0020310.

Allele frequency attached by ClinVar (database versions not stated): TOPMed below 0.00001; gnomAD 0.00001.
gnomAD v4.1: 8 of 1,551,478 alleles (0.00052%); highest among the groups gnomAD compares: Non-Finnish European, 0.00061%; no homozygotes.

Submission:

Labcorp Genetics (formerly Invitae), Labcorp
Classification: Uncertain significance for Familial focal epilepsy with variable foci. Last evaluated: 2025-01-06. Review status: criteria provided, single submitter. Criteria: Invitae Variant Classification Sherloc (09022015). Collection method: clinical testing. Allele origin: germline.
Comment: This sequence change replaces phenylalanine, which is neutral and non-polar, with leucine, which is neutral and non-polar, at codon 1107 of the DEPDC5 protein (p.Phe1107Leu). This variant is present in population databases (no rsID available, gnomAD 0.007%). This variant has not been reported in the literature in individuals affected with DEPDC5-related conditions. ClinVar contains an entry for this variant (Variation ID: 1018755). An algorithm developed to predict the effect of missense changes on protein structure and function outputs the following: PolyPhen-2: "Not Available". The leucine amino acid residue is found in multiple mammalian species, which suggests that this missense change does not adversely affect protein function. In summary, the available evidence is currently insufficient to determine the role of this variant in disease. Therefore, it has been classified as a Variant of Uncertain Significance.

NM_001242896.3(DEPDC5):c.3319T>C (p.Phe1107Leu)

Gene: DEPDC5 (DEP domain containing 5, GATOR1 subcomplex subunit; plus strand). Cytogenetic location: 22q12.3.
Variant type: single nucleotide variant.
Coding change: c.3319T>C on transcript NM_001242896.3 (MANE Select); coding-DNA position 3319, T replaced by C.
Protein change: p.Phe1107Leu; replaces phenylalanine 1107 with leucine.
Molecular consequence: missense variant. On other transcripts: non-coding transcript variant (2), intron variant (5).
Genome position (GRCh38, 1-based): chr22:31,861,422, T>C. VCF-style: chr22-31861422-T-C. GRCh37 (hg19) VCF-style: chr22-32257408-T-C.
Other names: c.3292T>C, p.Phe1098Leu (NM_001136029.4); c.3085T>C, p.Phe1029Leu (NM_001363854.2, NM_001364319.2); c.3319T>C, p.Phe1107Leu (NM_001364318.2); c.3235T>C, p.Phe1079Leu (NM_001369901.1, NM_001369902.1); c.3237+3869T>C (NM_014662.6, NM_001369903.1); c.3264+3869T>C (NM_001363852.2, NM_001364320.2); c.3030+3869T>C (NM_001242897.2); short protein forms F1029L, F1079L, F1098L, F1107L.
Identifiers: ClinVar variation 1018755 (VCV001018755.8), dbSNP rs1481478267, ClinGen allele CA411294718.